The following is an entry in ClinVar:

NM_001378454.1(ALMS1):c.8663T>C (p.Phe2888Ser)

Gene: ALMS1 (ALMS1 centrosome and basal body associated protein; plus strand). Cytogenetic location: 2p13.1.
Variant type: single nucleotide variant.
Coding change: c.8663T>C on transcript NM_001378454.1 (MANE Select); coding-DNA position 8663, T replaced by C.
Protein change: p.Phe2888Ser; replaces phenylalanine 2888 with serine.
Molecular consequence: missense variant.
Genome position (GRCh38, 1-based): chr2:73,490,622, T>C. VCF-style: chr2-73490622-T-C. GRCh37 (hg19) VCF-style: chr2-73717749-T-C.
Other names: c.8666T>C, p.Phe2889Ser (NM_015120.4); short protein forms F2888S, F2889S.
Identifiers: ClinVar variation 3602476 (VCV003602476.1).

ClinVar aggregate classification (germline): Uncertain significance (1 of 4 stars; one submission).

Submission:

GeneDx
Classification: Uncertain significance. Last evaluated: 2024-07-30. Review status: criteria provided, single submitter. Criteria: GeneDx Variant Classification Process June 2021. Collection method: clinical testing. Allele origin: germline. Affected: yes.
Comment: Not observed at significant frequency in large population cohorts (gnomAD); In silico analysis supports that this missense variant has a deleterious effect on protein structure/function; Has not been previously published as pathogenic or benign to our knowledge